The following is an entry in ClinVar:

NM_013234.4(EIF3K):c.128A>G (p.Asp43Gly)

Gene: EIF3K (eukaryotic translation initiation factor 3 subunit K; plus strand). Cytogenetic location: 19q13.2.
Variant type: single nucleotide variant.
Coding change: c.128A>G on transcript NM_013234.4 (MANE Select); coding-DNA position 128, A replaced by G.
Protein change: p.Asp43Gly; replaces aspartic acid 43 with glycine.
Molecular consequence: missense variant. On other transcripts: 5 prime UTR variant (1).
Genome position (GRCh38, 1-based): chr19:38,620,405, A>G. VCF-style: chr19-38620405-A-G. GRCh37 (hg19) VCF-style: chr19-39111045-A-G.
Other names: c.128A>G, p.Asp43Gly (NM_001300992.2); c.-134A>G (NM_001308393.2); short protein forms D43G.
Identifiers: ClinVar variation 3337994 (VCV003337994.1).

ClinVar aggregate classification (germline): Uncertain significance (1 of 4 stars; one submission).

Conditions:
EIF3K related disorder.

gnomAD v4.1: 55 of 1,613,986 alleles (0.0034%); highest among the groups gnomAD compares: Admixed American, 0.078%; no homozygotes.

Submission:

GeneDx
Classification: Uncertain significance for EIF3K related disorder. Last evaluated: 2024-05-14. Review status: criteria provided, single submitter. Criteria: GeneDx Variant Classification Process June 2021. Collection method: clinical testing. Allele origin: germline. Affected: yes.